The following is an entry in ClinVar:

NM_000038.6(APC):c.2218G>A (p.Ala740Thr)

Gene: APC (APC regulator of Wnt signaling pathway; plus strand). Cytogenetic location: 5q22.2.
Variant type: single nucleotide variant.
Coding change: c.2218G>A on transcript NM_000038.6 (MANE Select); coding-DNA position 2218, G replaced by A.
Protein change: p.Ala740Thr; replaces alanine 740 with threonine.
Molecular consequence: missense variant.
Genome position (GRCh38, 1-based): chr5:112,837,812, G>A. VCF-style: chr5-112837812-G-A. GRCh37 (hg19) VCF-style: chr5-112173509-G-A.
Other names: c.2218G>A, p.Ala740Thr (NM_001127510.3, NM_001354895.2); c.2164G>A, p.Ala722Thr (NM_001127511.3); c.2272G>A, p.Ala758Thr (NM_001354896.2); c.2248G>A, p.Ala750Thr (NM_001354897.2); c.2143G>A, p.Ala715Thr (NM_001354898.2); c.2134G>A, p.Ala712Thr (NM_001354899.2); c.2095G>A, p.Ala699Thr (NM_001354900.2); c.2041G>A, p.Ala681Thr (NM_001354901.2); and 5 more; short protein forms A722T, A740T, A457T, A649T, A699T, A715T, A639T, A750T.
Identifiers: ClinVar variation 469735 (VCV000469735.19), dbSNP rs587781394, ClinGen allele CA16026193.
Genomic context (GRCh38, chr5:112,837,812, plus strand): 5'-ATGGGAAGTGCTGCAGCTTTAAGGAATCTCATGGCAAATAGGCCTGCGAAGTACAAGGAT[G>A]CCAATATTATGTCTCCTGGCTCAAGCTTGCCATCTCTTCATGTTAGGAAACAAAAAGCCC-3'
Protein context (NP_000029.2, residues 730-750): MANRPAKYKD[Ala740Thr]NIMSPGSSLP

ClinVar aggregate classification (germline): Uncertain significance. Review status: criteria provided, multiple submitters, no conflicts (2 of 4 stars). 3 submissions from 3 submitters: Uncertain significance (3). Last evaluated 2026-04-09.

Conditions:
Hereditary cancer-predisposing syndrome. Also called: Tumor predisposition; Hereditary neoplastic syndrome; Neoplastic Syndromes, Hereditary; Hereditary Cancer Syndrome. Identifiers: Orphanet 140162, MedGen C0027672, MeSH D009386, MONDO:0015356.
Familial adenomatous polyposis 1 (FAP1). Also called: POLYPOSIS, ADENOMATOUS INTESTINAL; FAMILIAL ADENOMATOUS POLYPOSIS 1, ATTENUATED. Identifiers: MedGen C2713442, MONDO:0021056, OMIM 175100. Disease mechanism: loss of function.

gnomAD v4.1: 2 of 1,613,978 alleles (0.00012%); highest among the groups gnomAD compares: Admixed American, 0.0017%; no homozygotes.

Submissions (3):

Ambry Genetics
Classification: Uncertain significance for Hereditary cancer-predisposing syndrome. Last evaluated: 2026-04-09. Review status: criteria provided, single submitter. Criteria: Ambry Variant Classification Scheme 2023. Collection method: clinical testing. Allele origin: germline.
Comment: The p.A740T variant (also known as c.2218G>A), located in coding exon 15 of the APC gene, results from a G to A substitution at nucleotide position 2218. The alanine at codon 740 is replaced by threonine, an amino acid with similar properties. This amino acid position is highly conserved in available vertebrate species. In addition, in silico predictors for this gene do not accurately predict pathogenicity. Missense alterations in APC are not a common cause of disease (Spier I et al. Genet Med. 2024 Feb;26(2):100992). Based on the available evidence, the clinical significance of this variant remains unclear.

Labcorp Genetics (formerly Invitae), Labcorp
Classification: Uncertain significance for Familial adenomatous polyposis 1. Last evaluated: 2025-12-15. Review status: criteria provided, single submitter. Criteria: Invitae Variant Classification Sherloc (09022015). Collection method: clinical testing. Allele origin: germline.
Comment: This sequence change replaces alanine, which is neutral and non-polar, with threonine, which is neutral and polar, at codon 740 of the APC protein (p.Ala740Thr). This variant is present in population databases (no rsID available, gnomAD 0.003%). This variant has not been reported in the literature in individuals affected with APC-related conditions. ClinVar contains an entry for this variant (Variation ID: 469735). Invitae Evidence Modeling of protein sequence and biophysical properties (such as structural, functional, and spatial information, amino acid conservation, physicochemical variation, residue mobility, and thermodynamic stability) indicates that this missense variant is not expected to disrupt APC protein function with a negative predictive value of 95%. In summary, the available evidence is currently insufficient to determine the role of this variant in disease. Therefore, it has been classified as a Variant of Uncertain Significance.

Color Diagnostics, LLC DBA Color Health
Classification: Uncertain significance for Hereditary cancer-predisposing syndrome. Last evaluated: 2024-03-06. Review status: criteria provided, single submitter. Criteria: ACMG Guidelines, 2015. Collection method: clinical testing. Allele origin: germline.
Comment: This missense variant replaces alanine with threonine at codon 740 of the APC protein. Computational prediction suggests that this variant may not impact protein structure and function (internally defined REVEL score threshold <= 0.5, PMID: 27666373). To our knowledge, functional studies have not been reported for this variant. This variant has not been reported in individuals affected with hereditary cancer in the literature. This variant has been identified in 1/250034 chromosomes in the general population by the Genome Aggregation Database (gnomAD). The available evidence is insufficient to determine the role of this variant in disease conclusively. Therefore, this variant is classified as a Variant of Uncertain Significance.